The following is an entry in ClinVar:

NM_003480.4(MFAP5):c.299C>T (p.Pro100Leu)

Gene: MFAP5 (microfibril associated protein 5; minus strand). Cytogenetic location: 12p13.31.
Variant type: single nucleotide variant.
Coding change: c.299C>T on transcript NM_003480.4 (MANE Select); coding-DNA position 299, C replaced by T.
Protein change: p.Pro100Leu; replaces proline 100 with leucine.
Molecular consequence: missense variant. On other transcripts: intron variant (1), non-coding transcript variant (2).
Genome position (GRCh38, 1-based): chr12:8,650,538, G>A on the plus strand (C>T on the coding strand, the complement: MFAP5 is on the minus strand). VCF-style: chr12-8650538-G-A. GRCh37 (hg19) VCF-style: chr12-8803134-G-A.
Other names: c.299C>T (NM_003480.2); c.218-2335C>T (NM_001297712.2); c.269C>T, p.Pro90Leu (NM_001297709.2); c.233C>T, p.Pro78Leu (NM_001297710.2); c.224C>T, p.Pro75Leu (NM_001297711.2); short protein forms P100L, P75L, P78L, P90L.
Identifiers: ClinVar variation 3624497 (VCV003624497.4).

ClinVar aggregate classification (germline): Uncertain significance. Review status: criteria provided, multiple submitters, no conflicts (2 of 4 stars). 2 submissions from 2 submitters: Uncertain significance (2). Last evaluated 2025-05-21.

Conditions:
Cardiovascular phenotype. Identifiers: MedGen CN230736.

Submissions (2):

Ambry Genetics
Classification: Uncertain significance for Cardiovascular phenotype. Last evaluated: 2025-05-21. Review status: criteria provided, single submitter. Criteria: Ambry Variant Classification Scheme 2023. Collection method: clinical testing. Allele origin: germline.

Labcorp Genetics (formerly Invitae), Labcorp
Classification: Uncertain significance. Last evaluated: 2025-03-16. Review status: criteria provided, single submitter. Criteria: Invitae Variant Classification Sherloc (09022015). Collection method: clinical testing. Allele origin: germline.
Comment: This sequence change replaces proline, which is neutral and non-polar, with leucine, which is neutral and non-polar, at codon 100 of the MFAP5 protein (p.Pro100Leu). This variant is present in population databases (rs753225796, gnomAD 0.03%). This variant has not been reported in the literature in individuals affected with MFAP5-related conditions. An algorithm developed to predict the effect of missense changes on protein structure and function (PolyPhen-2) suggests that this variant is likely to be disruptive. In summary, the available evidence is currently insufficient to determine the role of this variant in disease. Therefore, it has been classified as a Variant of Uncertain Significance.